The following is an entry in ClinVar:

NM_002528.7(NTHL1):c.253C>A (p.Gln85Lys)

Gene: NTHL1 (nth like DNA glycosylase 1; minus strand). Cytogenetic location: 16p13.3.
Variant type: single nucleotide variant.
Coding change: c.253C>A on transcript NM_002528.7 (MANE Select); coding-DNA position 253, C replaced by A.
Protein change: p.Gln85Lys; replaces glutamine 85 with lysine.
Molecular consequence: missense variant. On other transcripts: intron variant (1).
Genome position (GRCh38, 1-based): chr16:2,046,229, G>T on the plus strand (C>A on the coding strand, the complement: NTHL1 is on the minus strand). VCF-style: chr16-2046229-G-T. GRCh37 (hg19) VCF-style: chr16-2096230-G-T.
Other names: c.253C>A, p.Gln85Lys (NM_001318193.2); c.24+51C>A (NM_001318194.2); short protein forms Q85K.
Identifiers: ClinVar variation 3881365 (VCV003881365.1).

ClinVar aggregate classification (germline): Uncertain significance (1 of 4 stars; one submission).

Conditions:
Hereditary cancer-predisposing syndrome. Also called: Tumor predisposition; Neoplastic Syndromes, Hereditary; Hereditary Cancer Syndrome; Hereditary neoplastic syndrome. Identifiers: Orphanet 140162, MedGen C0027672, MeSH D009386, MONDO:0015356.

Submission:

Ambry Genetics
Classification: Uncertain significance for Hereditary cancer-predisposing syndrome. Last evaluated: 2025-02-25. Review status: criteria provided, single submitter. Criteria: Ambry Variant Classification Scheme 2023. Collection method: clinical testing. Allele origin: germline.
Comment: The p.Q93K variant (also known as c.277C>A), located in coding exon 2 of the NTHL1 gene, results from a C to A substitution at nucleotide position 277. The glutamine at codon 93 is replaced by lysine, an amino acid with similar properties. This amino acid position is conserved. In addition, this alteration is predicted to be tolerated by in silico analysis. Based on the available evidence, the clinical significance of this variant remains unclear.